The following is an entry in ClinVar:

NM_001035.3(RYR2):c.8208+288del

Gene: RYR2 (ryanodine receptor 2; plus strand). Cytogenetic location: 1q43.
Variant type: Deletion.
Coding change: c.8208+288del on transcript NM_001035.3 (MANE Select); 288 bases into the intron after coding-DNA position 8208, one base deleted (A; older notation c.8208+288delA).
Molecular consequence: intron variant.
Genome position (GRCh38, 1-based): chr1:237,658,310, A deleted; the last of 6 consecutive A bases (chr1:237,658,305-237,658,310); deleting any one gives the same sequence. VCF-style (leftmost placement, unchanged base first): chr1-237658304-TA-T. GRCh37 (hg19) VCF-style: chr1-237821604-TA-T.
Identifiers: ClinVar variation 673323 (VCV000673323.1), dbSNP rs5781979, ClinGen allele CA39804078.

ClinVar aggregate classification (germline): Benign (1 of 4 stars; one submission).

Submission:

GeneDx
Classification: Benign. Last evaluated: 2018-06-14. Review status: criteria provided, single submitter. Criteria: GeneDx Variant Classification (06012015). Collection method: clinical testing. Allele origin: germline. Affected: yes.
Comment: This variant is considered likely benign or benign based on one or more of the following criteria: it is a conservative change, it occurs at a poorly conserved position in the protein, it is predicted to be benign by multiple in silico algorithms, and/or has population frequency not consistent with disease.